The following is an entry in ClinVar:

NM_001077350.3(NPRL3):c.1568G>A (p.Arg523His)

Gene: NPRL3 (NPR3 like, GATOR1 complex subunit; minus strand). Cytogenetic location: 16p13.3.
Variant type: single nucleotide variant.
Coding change: c.1568G>A on transcript NM_001077350.3 (MANE Select); coding-DNA position 1568, G replaced by A.
Protein change: p.Arg523His; replaces arginine 523 with histidine.
Molecular consequence: missense variant.
Genome position (GRCh38, 1-based): chr16:86,847, C>T on the plus strand (G>A on the coding strand, the complement: NPRL3 is on the minus strand). VCF-style: chr16-86847-C-T. GRCh37 (hg19) VCF-style: chr16-136846-C-T.
Other names: c.1031G>A, p.Arg344His (NM_001039476.3); c.1334G>A, p.Arg445His (NM_001243247.2); c.1493G>A, p.Arg498His (NM_001243248.2, NM_001243249.2); short protein forms R344H, R445H, R498H, R523H.
Identifiers: ClinVar variation 1326091 (VCV001326091.2), dbSNP rs756009039, ClinGen allele CA7769269.
Genomic context (GRCh38, chr16:86,847, plus strand): 5'-AGCATGAGCAGCTGGGAGCGCCGCGTGTTCTCGTTGTACATAATCTCCTCCAGGTGGTGG[C>T]GGCCGCGGAAGTAGTGAAGGAGCCTGGAAGGGATGGGTGGGTGTGAGCCCAACCTGACAC-3'
Protein context (NP_001070818.1, residues 513-533): FARLLHYFRG[Arg523His]HHLEEIMYNE

ClinVar aggregate classification (germline): Uncertain significance (1 of 4 stars; one submission).

Allele frequency attached by ClinVar (database versions not stated): gnomAD 0.00001; gnomAD exomes 0.00001; TOPMed 0.00002; ExAC 0.00003.
gnomAD v4.1: 11 of 1,613,002 alleles (0.00068%); highest among the groups gnomAD compares: African/African-American, 0.0053%; no homozygotes.

Submission:

GeneDx
Classification: Uncertain significance. Last evaluated: 2021-11-22. Review status: criteria provided, single submitter. Criteria: GeneDx Variant Classification Process June 2021. Collection method: clinical testing. Allele origin: germline. Affected: yes.
Comment: In silico analysis supports that this missense variant does not alter protein structure/function; Has not been previously published as pathogenic or benign to our knowledge